The following is an entry in ClinVar:

ClinVar aggregate classification (germline): Conflicting classifications of pathogenicity. Review status: criteria provided, conflicting classifications (1 of 4 stars). 2 submissions from 2 submitters: Uncertain significance (1); Likely benign (1). Last evaluated 2026-04-24.

Conditions:
Hereditary cancer-predisposing syndrome. Also called: Tumor predisposition; Hereditary neoplastic syndrome; Neoplastic Syndromes, Hereditary; Hereditary Cancer Syndrome. Identifiers: Orphanet 140162, MedGen C0027672, MeSH D009386, MONDO:0015356.

Allele frequency attached by ClinVar (database versions not stated): gnomAD exomes below 0.00001.
gnomAD v4.1: 1 of 1,613,860 alleles (0.000062%); no homozygotes.

Submissions (2):

Ambry Genetics
Classification: Likely benign for Hereditary cancer-predisposing syndrome. Last evaluated: 2026-04-24. Review status: criteria provided, single submitter. Criteria: Ambry Variant Classification Scheme 2023. Collection method: clinical testing. Allele origin: germline.

Color Diagnostics, LLC DBA Color Health
Classification: Uncertain significance for Hereditary cancer-predisposing syndrome. Last evaluated: 2023-12-04. Review status: criteria provided, single submitter. Criteria: ACMG Guidelines, 2015. Collection method: clinical testing. Allele origin: germline.
Comment: This missense variant replaces aspartic acid with asparagine at codon 59 of the CDH1 protein. To our knowledge, functional studies have not been reported for this variant. This variant has not been reported in individuals affected with CDH1-related disorders in the literature. This variant has not been identified in the general population by the Genome Aggregation Database (gnomAD). The available evidence is insufficient to determine the role of this variant in disease conclusively. Therefore, this variant is classified as a Variant of Uncertain Significance.

NM_004360.5(CDH1):c.175G>A (p.Asp59Asn)

Gene: CDH1 (cadherin 1; plus strand). Cytogenetic location: 16q22.1.
Variant type: single nucleotide variant.
Coding change: c.175G>A on transcript NM_004360.5 (MANE Select); coding-DNA position 175, G replaced by A.
Protein change: p.Asp59Asn; replaces aspartic acid 59 with asparagine.
Molecular consequence: missense variant. On other transcripts: 5 prime UTR variant (2).
Genome position (GRCh38, 1-based): chr16:68,801,681, G>A. VCF-style: chr16-68801681-G-A. GRCh37 (hg19) VCF-style: chr16-68835584-G-A.
Other names: c.175G>A, p.Asp59Asn (NM_001317184.2); c.-1441G>A (NM_001317185.2); c.-1645G>A (NM_001317186.2); short protein forms D59N.
Identifiers: ClinVar variation 2775024 (VCV002775024.3), dbSNP rs1960504606, ClinGen allele CA396457098.
Genomic context (GRCh38, chr16:68,801,681, plus strand): 5'-TGTCTTTAATCTGTCCAATTTCCTAATCTCTGTGATTTCTGCCCTGCAGTGAATTTTGAA[G>A]ATTGCACCGGTCGACAAAGGACAGCCTATTTTTCCCTCGACACCCGATTCAAAGTGGGCA-3'
Protein context (NP_004351.1, residues 49-69): GRVLGRVNFE[Asp59Asn]CTGRQRTAYF